The following is an entry in ClinVar:

ClinVar aggregate classification (germline): Uncertain significance (1 of 4 stars; one submission).

Submission:

Labcorp Genetics (formerly Invitae), Labcorp
Classification: Uncertain significance. Last evaluated: 2025-05-04. Review status: criteria provided, single submitter. Criteria: Invitae Variant Classification Sherloc (09022015). Collection method: clinical testing. Allele origin: germline.
Comment: This sequence change replaces asparagine, which is neutral and polar, with aspartic acid, which is acidic and polar, at codon 348 of the JAK1 protein (p.Asn348Asp). This variant is not present in population databases (gnomAD no frequency). This variant has not been reported in the literature in individuals affected with JAK1-related conditions. Invitae Evidence Modeling of protein sequence and biophysical properties (such as structural, functional, and spatial information, amino acid conservation, physicochemical variation, residue mobility, and thermodynamic stability) indicates that this missense variant is not expected to disrupt JAK1 protein function with a negative predictive value of 80%. In summary, the available evidence is currently insufficient to determine the role of this variant in disease. Therefore, it has been classified as a Variant of Uncertain Significance.

NM_002227.4(JAK1):c.1042A>G (p.Asn348Asp)

Gene: JAK1 (Janus kinase 1; minus strand). Cytogenetic location: 1p31.3.
Variant type: single nucleotide variant.
Coding change: c.1042A>G on transcript NM_002227.4 (MANE Select); coding-DNA position 1042, A replaced by G.
Protein change: p.Asn348Asp; replaces asparagine 348 with aspartic acid.
Molecular consequence: missense variant.
Genome position (GRCh38, 1-based): chr1:64,864,921, T>C on the plus strand (A>G on the coding strand, the complement: JAK1 is on the minus strand). VCF-style: chr1-64864921-T-C. GRCh37 (hg19) VCF-style: chr1-65330604-T-C.
Other names: c.1042A>G, p.Asn348Asp (NM_001320923.2, NM_001321852.2, NM_001321853.2 and 4 more transcripts); short protein forms N348D.
Identifiers: ClinVar variation 4733492 (VCV004733492.1).
Genomic context (GRCh38, chr1:64,864,921, plus strand): 5'-AAGAAAAATTGTTCCACTCTTCCCGGATCTTGTTTTTCTCCTCATCCTTCTTGTGTTTAT[T>C]TTCCAGTTTTTTCCGCTTCAGTTTATTTTTTTCCTTTTCAACAGAAACAACCTGATAAGA-3'
Protein context (NP_002218.2, residues 338-358): KNKLKRKKLE[Asn348Asp]KHKKDEEKNK